The following is an entry in ClinVar:

ClinVar aggregate classification (germline): Uncertain significance (1 of 4 stars; one submission).

Allele frequency attached by ClinVar (database versions not stated): gnomAD 0.00001; gnomAD exomes 0.00001; TOPMed 0.00001; ExAC 0.00004.
gnomAD v4.1: 22 of 1,597,966 alleles (0.0014%); highest among the groups gnomAD compares: Non-Finnish European, 0.00026%; no homozygotes.

Submission:

Labcorp Genetics (formerly Invitae), Labcorp
Classification: Uncertain significance. Last evaluated: 2024-12-19. Review status: criteria provided, single submitter. Criteria: Invitae Variant Classification Sherloc (09022015). Collection method: clinical testing. Allele origin: germline.
Comment: This sequence change replaces isoleucine, which is neutral and non-polar, with valine, which is neutral and non-polar, at codon 4 of the POLR3F protein (p.Ile4Val). This variant is present in population databases (rs781750604, gnomAD 0.07%), and has an allele count higher than expected for a pathogenic variant. This variant has not been reported in the literature in individuals affected with POLR3F-related conditions. ClinVar contains an entry for this variant (Variation ID: 2413423). Experimental studies and prediction algorithms are not available or were not evaluated, and the functional significance of this variant is currently unknown. In summary, the available evidence is currently insufficient to determine the role of this variant in disease. Therefore, it has been classified as a Variant of Uncertain Significance.

NM_006466.4(POLR3F):c.133A>G (p.Ile45Val)

Gene: POLR3F (RNA polymerase III subunit F; plus strand). Cytogenetic location: 20p11.23.
Variant type: single nucleotide variant.
Coding change: c.133A>G on transcript NM_006466.4 (MANE Select); coding-DNA position 133, A replaced by G.
Protein change: p.Ile45Val; replaces isoleucine 45 with valine.
Molecular consequence: missense variant. On other transcripts: non-coding transcript variant (1).
Genome position (GRCh38, 1-based): chr20:18,469,014, A>G. VCF-style: chr20-18469014-A-G. GRCh37 (hg19) VCF-style: chr20-18449658-A-G.
Other names: c.10A>G, p.Ile4Val (NM_001282526.2); c.133A>G, p.Ile45Val (NM_001410821.1); short protein forms I45V, I4V.
Identifiers: ClinVar variation 2413423 (VCV002413423.6), dbSNP rs781750604, ClinGen allele CA9777446.
Genomic context (GRCh38, chr20:18,469,014, plus strand): 5'-TTATGTCACCAGTTCCCTCATGGAATCACAGACCAAGTAATTCAGAATGAAATGCCTCAT[A>G]TAGAAGCCCAGCAGCGGGCAGTAGCCATCAATAGGTTGTTGTCTATGGTAAGGTGAATCT-3'
Protein context (NP_006457.2, residues 35-55): DQVIQNEMPH[Ile45Val]EAQQRAVAIN